The following is an entry in ClinVar:

ClinVar aggregate classification (germline): Uncertain significance (1 of 4 stars; one submission).

Allele frequency attached by ClinVar (database versions not stated): gnomAD 0.00001; TOPMed 0.00001; gnomAD exomes 0.00004.

Submission:

Labcorp Genetics (formerly Invitae), Labcorp
Classification: Uncertain significance. Last evaluated: 2026-01-03. Review status: criteria provided, single submitter. Criteria: Invitae Variant Classification Sherloc (09022015). Collection method: clinical testing. Allele origin: germline.
Comment: This sequence change replaces glycine, which is neutral and non-polar, with arginine, which is basic and polar, at codon 143 of the NEFH protein (p.Gly143Arg). This variant is present in population databases (no rsID available, gnomAD 0.02%). This variant has not been reported in the literature in individuals affected with NEFH-related conditions. ClinVar contains an entry for this variant (Variation ID: 1417758). Invitae Evidence Modeling of protein sequence and biophysical properties (such as structural, functional, and spatial information, amino acid conservation, physicochemical variation, residue mobility, and thermodynamic stability) indicates that this missense variant is not expected to disrupt NEFH protein function with a negative predictive value of 95%. In summary, the available evidence is currently insufficient to determine the role of this variant in disease. Therefore, it has been classified as a Variant of Uncertain Significance.

NM_021076.4(NEFH):c.427G>C (p.Gly143Arg)

Gene: NEFH (neurofilament heavy chain; plus strand). Cytogenetic location: 22q12.2.
Variant type: single nucleotide variant.
Coding change: c.427G>C on transcript NM_021076.4 (MANE Select); coding-DNA position 427, G replaced by C.
Protein change: p.Gly143Arg; replaces glycine 143 with arginine.
Molecular consequence: missense variant.
Genome position (GRCh38, 1-based): chr22:29,480,689, G>C. VCF-style: chr22-29480689-G-C. GRCh37 (hg19) VCF-style: chr22-29876678-G-C.
Other names: short protein forms G143R.
Identifiers: ClinVar variation 1417758 (VCV001417758.8), dbSNP rs865893652, ClinGen allele CA411122830.